The following is an entry in ClinVar:

NM_001256715.2(DNAAF3):c.1443G>C (p.Gln481His)

Gene: DNAAF3 (dynein axonemal assembly factor 3; minus strand). Cytogenetic location: 19q13.42.
Variant type: single nucleotide variant.
Coding change: c.1443G>C on transcript NM_001256715.2 (MANE Select); coding-DNA position 1443, G replaced by C.
Protein change: p.Gln481His; replaces glutamine 481 with histidine.
Molecular consequence: missense variant.
Genome position (GRCh38, 1-based): chr19:55,159,245, C>G on the plus strand (G>C on the coding strand, the complement: DNAAF3 is on the minus strand). VCF-style: chr19-55159245-C-G. GRCh37 (hg19) VCF-style: chr19-55670613-C-G.
Other names: c.1644G>C, p.Gln548His (NM_001256714.1); c.1281G>C, p.Gln427His (NM_001256716.2); c.1584G>C, p.Gln528His (NM_178837.4); short protein forms Q481H, Q548H, Q427H, Q528H.
Identifiers: ClinVar variation 1468186 (VCV001468186.11), dbSNP rs751901961, ClinGen allele CA310152093.
Genomic context (GRCh38, chr19:55,159,245, plus strand): 5'-GGTCCCACCCTGCAGAGGCTGGGTCAGGCCCTCAAGGGCTGGGTTGCTGGCTTCAAGAGG[C>G]TGGGCCAGGATGTCAAGGGGCGGAGTTCCGGGTTCCACAGCTGGGACAGTGTTGCCCAGA-3'
Protein context (NP_001243644.1, residues 471-491): PGTPPLDILA[Gln481His]PLEASNPALE

ClinVar aggregate classification (germline): Uncertain significance. Review status: criteria provided, multiple submitters, no conflicts (2 of 4 stars). 2 submissions from 2 submitters: Uncertain significance (2). Last evaluated 2024-12-04.

Conditions:
Primary ciliary dyskinesia. Also called: Ciliary dyskinesia. Identifiers: Orphanet 244, MedGen C0008780, MONDO:0016575, HP:0012265.

gnomAD v4.1: 5 of 1,613,976 alleles (0.00031%); highest among the groups gnomAD compares: Non-Finnish European, 0.00042%; no homozygotes.

Submissions (2):

Labcorp Genetics (formerly Invitae), Labcorp
Classification: Uncertain significance for Primary ciliary dyskinesia. Last evaluated: 2024-12-04. Review status: criteria provided, single submitter. Criteria: Invitae Variant Classification Sherloc (09022015). Collection method: clinical testing. Allele origin: germline.
Comment: This sequence change replaces glutamine, which is neutral and polar, with histidine, which is basic and polar, at codon 548 of the DNAAF3 protein (p.Gln548His). This variant is present in population databases (rs751901961, gnomAD 0.0009%). This variant has not been reported in the literature in individuals affected with DNAAF3-related conditions. ClinVar contains an entry for this variant (Variation ID: 1468186). An algorithm developed to predict the effect of missense changes on protein structure and function (PolyPhen-2) suggests that this variant is likely to be disruptive. In summary, the available evidence is currently insufficient to determine the role of this variant in disease. Therefore, it has been classified as a Variant of Uncertain Significance.

Ambry Genetics
Classification: Uncertain significance for Primary ciliary dyskinesia. Last evaluated: 2022-11-15. Review status: criteria provided, single submitter. Criteria: Ambry Variant Classification Scheme 2023. Collection method: clinical testing. Allele origin: germline.
Comment: The p.Q548H variant (also known as c.1644G>C), located in coding exon 12 of the DNAAF3 gene, results from a G to C substitution at nucleotide position 1644. The glutamine at codon 548 is replaced by histidine, an amino acid with highly similar properties. This amino acid position is poorly conserved in available vertebrate species. In addition, this alteration is predicted to be tolerated by BayesDel in silico analysis. Since supporting evidence is limited at this time, the clinical significance of this alteration remains unclear.